The following is an entry in ClinVar:

NM_000222.3(KIT):c.1558A>G (p.Thr520Ala)

Gene: KIT (KIT proto-oncogene, receptor tyrosine kinase; plus strand). Cytogenetic location: 4q12.
Variant type: single nucleotide variant.
Coding change: c.1558A>G on transcript NM_000222.3 (MANE Select); coding-DNA position 1558, A replaced by G.
Protein change: p.Thr520Ala; replaces threonine 520 with alanine.
Molecular consequence: missense variant.
Genome position (GRCh38, 1-based): chr4:54,727,235, A>G. VCF-style: chr4-54727235-A-G. GRCh37 (hg19) VCF-style: chr4-55593401-A-G.
Other names: c.1546A>G, p.Thr516Ala (NM_001093772.2, NM_001385286.1); c.1561A>G, p.Thr521Ala (NM_001385284.1, NM_001385290.1); c.1558A>G, p.Thr520Ala (NM_001385285.1); c.1549A>G, p.Thr517Ala (NM_001385288.1, NM_001385292.1); short protein forms T517A, T521A, T520A, T516A.
Identifiers: ClinVar variation 1393531 (VCV001393531.14), dbSNP rs2109773782, ClinGen allele CA356906912.

ClinVar aggregate classification (germline): Uncertain significance. Review status: criteria provided, multiple submitters, no conflicts (2 of 4 stars). 2 submissions from 2 submitters: Uncertain significance (2). Last evaluated 2024-09-09.

Conditions:
Gastrointestinal stromal tumor. Also called: Gastrointestinal stroma tumor; Gastrointestinal stromal tumor, somatic. Identifiers: Orphanet 44890, MedGen C0238198, MeSH D046152, MONDO:0011719, OMIM 606764, HP:0100723.

Allele frequency attached by ClinVar (database versions not stated): gnomAD exomes below 0.00001.
gnomAD v4.1: 2 of 1,613,988 alleles (0.00012%); highest among the groups gnomAD compares: African/African-American, 0.0027%; no homozygotes.

Submissions (2):

Labcorp Genetics (formerly Invitae), Labcorp
Classification: Uncertain significance for Gastrointestinal stromal tumor. Last evaluated: 2024-09-09. Review status: criteria provided, single submitter. Criteria: Invitae Variant Classification Sherloc (09022015). Collection method: clinical testing. Allele origin: germline.
Comment: This sequence change replaces threonine, which is neutral and polar, with alanine, which is neutral and non-polar, at codon 520 of the KIT protein (p.Thr520Ala). This variant is not present in population databases (gnomAD no frequency). This variant has not been reported in the literature in individuals affected with KIT-related conditions. ClinVar contains an entry for this variant (Variation ID: 1393531). An algorithm developed to predict the effect of missense changes on protein structure and function (PolyPhen-2) suggests that this variant is likely to be disruptive. In summary, the available evidence is currently insufficient to determine the role of this variant in disease. Therefore, it has been classified as a Variant of Uncertain Significance.

Baylor Genetics
Classification: Uncertain significance for Gastrointestinal stromal tumor. Last evaluated: 2024-02-10. Review status: criteria provided, single submitter. Criteria: ACMG Guidelines, 2015. Collection method: clinical testing. Allele origin: unknown.